The following is an entry in ClinVar:

ClinVar aggregate classification (germline): Uncertain significance (1 of 4 stars; one submission).

Allele frequency attached by ClinVar (database versions not stated): gnomAD 0.00001.
gnomAD v4.1: 32 of 1,614,054 alleles (0.002%); highest among the groups gnomAD compares: Admixed American, 0.047%; no homozygotes.

Submission:

Labcorp Genetics (formerly Invitae), Labcorp
Classification: Uncertain significance. Last evaluated: 2022-06-08. Review status: criteria provided, single submitter. Criteria: Invitae Variant Classification Sherloc (09022015). Collection method: clinical testing. Allele origin: germline.
Comment: This sequence change replaces alanine, which is neutral and non-polar, with threonine, which is neutral and polar, at codon 1352 of the LCT protein (p.Ala1352Thr). This variant is present in population databases (rs775395005, gnomAD 0.07%). This variant has not been reported in the literature in individuals affected with LCT-related conditions. Algorithms developed to predict the effect of missense changes on protein structure and function output the following: SIFT: "Not Available"; PolyPhen-2: "Benign"; Align-GVGD: "Not Available". The threonine amino acid residue is found in multiple mammalian species, which suggests that this missense change does not adversely affect protein function. In summary, the available evidence is currently insufficient to determine the role of this variant in disease. Therefore, it has been classified as a Variant of Uncertain Significance.

NM_002299.4(LCT):c.4054G>A (p.Ala1352Thr)

Gene: LCT (lactase; minus strand). Cytogenetic location: 2q21.3.
Variant type: single nucleotide variant.
Coding change: c.4054G>A on transcript NM_002299.4 (MANE Select); coding-DNA position 4054, G replaced by A.
Protein change: p.Ala1352Thr; replaces alanine 1352 with threonine.
Molecular consequence: missense variant.
Genome position (GRCh38, 1-based): chr2:135,807,247, C>T on the plus strand (G>A on the coding strand, the complement: LCT is on the minus strand). VCF-style: chr2-135807247-C-T. GRCh37 (hg19) VCF-style: chr2-136564817-C-T.
Other names: short protein forms A1352T.
Identifiers: ClinVar variation 1415369 (VCV001415369.5), dbSNP rs775395005, ClinGen allele CA1887926.